The following is an entry in ClinVar:

NM_006227.4(PLTP):c.178C>G (p.His60Asp)

Gene: PLTP (phospholipid transfer protein; minus strand). Cytogenetic location: 20q13.12.
Variant type: single nucleotide variant.
Coding change: c.178C>G on transcript NM_006227.4 (MANE Select); coding-DNA position 178, C replaced by G.
Protein change: p.His60Asp; replaces histidine 60 with aspartic acid.
Molecular consequence: missense variant.
Genome position (GRCh38, 1-based): chr20:45,911,174, G>C on the plus strand (C>G on the coding strand, the complement: PLTP is on the minus strand). VCF-style: chr20-45911174-G-C. GRCh37 (hg19) VCF-style: chr20-44539813-G-C.
Other names: c.178C>G, p.His60Asp (NM_001242920.2, NM_182676.3); short protein forms H60D.
Identifiers: ClinVar variation 3712306 (VCV003712306.2).

ClinVar aggregate classification (germline): Uncertain significance (1 of 4 stars; one submission).

gnomAD v4.1: 7 of 1,613,808 alleles (0.00043%); highest among the groups gnomAD compares: Non-Finnish European, 0.00059%; no homozygotes.

Submission:

Labcorp Genetics (formerly Invitae), Labcorp
Classification: Uncertain significance. Last evaluated: 2024-02-22. Review status: criteria provided, single submitter. Criteria: Invitae Variant Classification Sherloc (09022015). Collection method: clinical testing. Allele origin: germline.
Comment: This sequence change replaces histidine, which is basic and polar, with aspartic acid, which is acidic and polar, at codon 60 of the PLTP protein (p.His60Asp). This variant is present in population databases (no rsID available, gnomAD 0.007%). This missense change has been observed in individual(s) with dyslipidemia (PMID: 32041611). An algorithm developed to predict the effect of missense changes on protein structure and function (PolyPhen-2) suggests that this variant is likely to be tolerated. In summary, the available evidence is currently insufficient to determine the role of this variant in disease. Therefore, it has been classified as a Variant of Uncertain Significance.

Literature cited by the submitters: PubMed 32041611.